The following is an entry in ClinVar:

NM_001267550.2(TTN):c.51437-5T>A

Genes: TTN (titin; minus strand), TTN-AS1 (TTN antisense RNA 1; plus strand). Cytogenetic location: 2q31.2.
Variant type: single nucleotide variant.
Coding change: c.51437-5T>A on transcript NM_001267550.2 (MANE Select); 5 bases into the intron before coding-DNA position 51437, T replaced by A.
Molecular consequence: intron variant.
Genome position (GRCh38, 1-based): chr2:178,609,991, A>T on the plus strand (T>A on the coding strand, the complement: TTN is on the minus strand). VCF-style: chr2-178609991-A-T. GRCh37 (hg19) VCF-style: chr2-179474718-A-T.
Other names: c.24242-5T>A (NM_003319.4); c.24818-5T>A (NM_133437.4); c.24617-5T>A (NM_133432.3); c.43733-5T>A (NM_133378.4); c.46514-5T>A (NM_001256850.1).
Identifiers: ClinVar variation 5041499 (VCV005041499.1).

ClinVar aggregate classification (germline): Uncertain significance (1 of 4 stars; one submission).

gnomAD v4.1: 1 of 1,610,160 alleles (0.000062%); highest among the groups gnomAD compares: Non-Finnish European, 0.000085%; no homozygotes.

Submission:

CeGaT Center for Human Genetics Tuebingen
Classification: Uncertain significance. Last evaluated: 2026-09-01. Review status: criteria provided, single submitter. Criteria: CeGaT Center For Human Genetics Tuebingen Variant Classification Criteria Version 2. Collection method: clinical testing. Allele origin: germline. Affected: yes. Observed: 1 variant allele.
Comment: TTN: PM2, BP4